The following is an entry in ClinVar:

NM_018699.4(PRDM5):c.1030G>T (p.Glu344Ter)

Gene: PRDM5 (PR/SET domain 5; minus strand). Cytogenetic location: 4q27.
Variant type: single nucleotide variant.
Coding change: c.1030G>T on transcript NM_018699.4 (MANE Select); coding-DNA position 1030, G replaced by T.
Protein change: p.Glu344Ter; replaces glutamic acid 344 with a stop codon.
Molecular consequence: nonsense. On other transcripts: missense variant (1).
Genome position (GRCh38, 1-based): chr4:120,799,661, C>A on the plus strand (G>T on the coding strand, the complement: PRDM5 is on the minus strand). VCF-style: chr4-120799661-C-A. GRCh37 (hg19) VCF-style: chr4-121720816-C-A.
Other names: c.937G>T, p.Glu313Ter (NM_001300823.2, NM_001300824.2, NM_001379106.1); c.1030G>T, p.Asp344Tyr (NM_001379104.1); short protein forms D344Y, E313*, E344*.
Identifiers: ClinVar variation 2780142 (VCV002780142.4), dbSNP rs2477547119, ClinGen allele CA358210384.
Genomic context (GRCh38, chr4:120,799,661, plus strand): 5'-AGTGACAATGTAATTTTTTTGTAATGATATCACTATAAACAAAAAAAGTATATAGTTTAC[C>A]TGAGTGGGTGATCATATGACGTTTTAGCTGATTAGCTGAAATAAATTTCTTCATACATTC-3'

ClinVar aggregate classification (germline): Pathogenic/Likely pathogenic. Review status: criteria provided, multiple submitters, no conflicts (2 of 4 stars). 2 submissions from 2 submitters: Pathogenic (1); Likely pathogenic (1). Last evaluated 2024-05-24.

Conditions:
Brittle cornea syndrome 2 (BCS2). Identifiers: Orphanet 90354, MedGen C3280011, MONDO:0013605, OMIM 614170.

Submissions (2):

Fulgent Genetics
Classification: Likely pathogenic for Brittle cornea syndrome 2. Last evaluated: 2024-05-24. Review status: criteria provided, single submitter. Criteria: ACMG Guidelines, 2015. Collection method: clinical testing. Allele origin: germline.

Labcorp Genetics (formerly Invitae), Labcorp
Classification: Pathogenic. Last evaluated: 2023-02-24. Review status: criteria provided, single submitter. Criteria: Invitae Variant Classification Sherloc (09022015). Collection method: clinical testing. Allele origin: germline.
Comment: For these reasons, this variant has been classified as Pathogenic. Algorithms developed to predict the effect of sequence changes on RNA splicing suggest that this variant may disrupt the consensus splice site. This variant has not been reported in the literature in individuals affected with PRDM5-related conditions. This variant is not present in population databases (gnomAD no frequency). This sequence change creates a premature translational stop signal (p.Glu344*) in the PRDM5 gene. It is expected to result in an absent or disrupted protein product. Loss-of-function variants in PRDM5 are known to be pathogenic (PMID: 21664999, 26395458).

Literature cited by the submitters: PubMed 21664999 (cited by Labcorp Genetics (formerly Invitae), Labcorp); PubMed 26395458 (cited by Labcorp Genetics (formerly Invitae), Labcorp).